The following is an entry in ClinVar:

NM_000512.5(GALNS):c.958G>A (p.Glu320Lys)

Gene: GALNS (galactosamine (N-acetyl)-6-sulfatase; minus strand). Cytogenetic location: 16q24.3.
Variant type: single nucleotide variant.
Coding change: c.958G>A on transcript NM_000512.5 (MANE Select); coding-DNA position 958, G replaced by A.
Protein change: p.Glu320Lys; replaces glutamic acid 320 with lysine.
Molecular consequence: missense variant.
Genome position (GRCh38, 1-based): chr16:88,832,042, C>T on the plus strand (G>A on the coding strand, the complement: GALNS is on the minus strand). VCF-style: chr16-88832042-C-T. GRCh37 (hg19) VCF-style: chr16-88898450-C-T.
Other names: c.403G>A, p.Glu135Lys (NM_001323543.2); c.976G>A, p.Glu326Lys (NM_001323544.2); short protein forms E135K, E320K, E326K.
Identifiers: ClinVar variation 1048314 (VCV001048314.3), dbSNP rs2142999156, ClinGen allele CA397101171.
Genomic context (GRCh38, chr16:88,832,042, plus strand): 5'-GTGGACGCTGACTCACCTGGCCTGCAGTGACGTGCCCTGGCCACCATGCGAGGGCAGGCT[C>T]CCTCATCCCTCCTTCAAACGTGGTCTGCTTCCCACACAGAAAGGGGCCGTTGCTGCCACC-3'
Protein context (NP_000503.1, residues 310-330): KQTTFEGGMR[Glu320Lys]PALAWWPGHV

ClinVar aggregate classification (germline): Uncertain significance (1 of 4 stars; one submission).

Conditions:
Mucopolysaccharidosis, MPS-IV-A (MPS4A). Also called: Mucopolysaccharidosis type IV A; Mucopolysaccharidosis Type IVA; Morquio syndrome A, mild; MORQUIO SYNDROME A; MPS IVA; mucopolysaccharidosis type 4A. Identifiers: Orphanet 309297, Orphanet 582, MedGen C0086651, MONDO:0009659, OMIM 253000.

gnomAD v4.1: 1 of 1,613,870 alleles (0.000062%); highest among the groups gnomAD compares: South Asian, 0.0011%; no homozygotes.

Submission:

Laboratory of Diagnosis and Therapy of Lysosomal Disorders, University of Padova
Classification: Uncertain significance for Mucopolysaccharidosis, MPS-IV-A. Last evaluated: 2021-02-01. Review status: criteria provided, single submitter. Criteria: ACMG Guidelines, 2015. Collection method: curation. Allele origin: germline. Affected: yes.
Comment: Absent from gnomAD v2.1.1 (PM2_moderate); multiple lines of computational evidence support a deleterious effect on the gene (PP3_supporting)

Literature cited by the submitters: PubMed 31200731; PubMed 34387910.